The following is an entry in ClinVar:

NM_005529.7(HSPG2):c.11671+15C>T

Gene: HSPG2 (heparan sulfate proteoglycan 2; minus strand). Cytogenetic location: 1p36.12.
Variant type: single nucleotide variant.
Coding change: c.11671+15C>T on transcript NM_005529.7 (MANE Select); 15 bases into the intron after coding-DNA position 11671, C replaced by T.
Molecular consequence: intron variant.
Genome position (GRCh38, 1-based): chr1:21,830,967, G>A on the plus strand (C>T on the coding strand, the complement: HSPG2 is on the minus strand). VCF-style: chr1-21830967-G-A. GRCh37 (hg19) VCF-style: chr1-22157460-G-A.
Other names: c.11674+15C>T (NM_001291860.2).
Identifiers: ClinVar variation 295713 (VCV000295713.23), dbSNP rs7515291, ClinGen allele CA669687.

ClinVar aggregate classification (germline): Benign/Likely benign. Review status: criteria provided, multiple submitters, no conflicts (2 of 4 stars). 6 submissions from 5 submitters: Benign (4); Likely benign (2). Last evaluated 2026-01-12.

Conditions:
Schwartz-Jampel syndrome. Also called: Myotonic myopathy dwarfism chondrodystrophy and ocular and facial abnormalities. Identifiers: Orphanet 800, MedGen C0036391, MONDO:0009717.
Lethal Kniest-like syndrome (DDSH). Also called: Dyssegmental Dysplasia. Identifiers: Orphanet 1865, MedGen C1857100, MONDO:0009140, OMIM 224410.

Allele frequency attached by ClinVar (database versions not stated): gnomAD exomes 0.00170; ExAC 0.00553; gnomAD 0.00569; TOPMed 0.00717; ESP Exome Variant Server 0.00783; 1000 Genomes Project 0.00839; 1000 Genomes Project 30x 0.01031.
gnomAD v4.1: 1,925 of 1,545,074 alleles (0.12%); highest among the groups gnomAD compares: African/African-American, 2.4%; 22 homozygotes.

Submissions (6):

Labcorp Genetics (formerly Invitae), Labcorp
Classification: Benign. Last evaluated: 2026-01-12. Review status: criteria provided, single submitter. Criteria: Invitae Variant Classification Sherloc (09022015). Collection method: clinical testing. Allele origin: germline.

Blueprint Genetics
Classification: Likely benign. Last evaluated: 2024-10-18. Review status: criteria provided, single submitter. Criteria: ACMG Guidelines, 2015. Collection method: clinical testing. Allele origin: germline.

ARUP Laboratories, Molecular Genetics and Genomics, ARUP Laboratories
Classification: Benign. Last evaluated: 2020-08-24. Review status: criteria provided, single submitter. Criteria: ARUP Molecular Germline Variant Investigation Process. Collection method: clinical testing. Allele origin: germline.

GeneDx
Classification: Likely benign. Last evaluated: 2018-12-10. Review status: criteria provided, single submitter. Criteria: GeneDx Variant Classification Process June 2021. Collection method: clinical testing. Allele origin: germline. Affected: yes.

Illumina Laboratory Services, Illumina
Classification: Benign for Lethal Kniest-like syndrome. Last evaluated: 2018-01-12. Review status: criteria provided, single submitter. Criteria: ICSL Variant Classification Criteria 13 December 2019. Collection method: clinical testing. Allele origin: germline.
Comment: This variant was observed in the ICSL laboratory as part of a predisposition screen in an ostensibly healthy population. It had not been previously curated by ICSL or reported in the Human Gene Mutation Database (HGMD: prior to June 1st, 2018), and was therefore a candidate for classification through an automated scoring system. Utilizing variant allele frequency, disease prevalence and penetrance estimates, and inheritance mode, an automated score was calculated to assess if this variant is too frequent to cause the disease. Based on the score and internal cut-off values, a variant classified as benign is not then subjected to further curation. The score for this variant resulted in a classification of benign for this disease.

Illumina Laboratory Services, Illumina
Classification: Benign for Schwartz-Jampel syndrome type 1. Last evaluated: 2018-01-12. Review status: criteria provided, single submitter. Criteria: ICSL Variant Classification Criteria 13 December 2019. Collection method: clinical testing. Allele origin: germline.
Comment: the same text as in the submission from Illumina Laboratory Services, Illumina above.